The following is an entry in ClinVar:

NM_032447.5(FBN3):c.1159G>A (p.Ala387Thr)

Gene: FBN3 (fibrillin 3; minus strand). Cytogenetic location: 19p13.2.
Variant type: single nucleotide variant.
Coding change: c.1159G>A on transcript NM_032447.5 (MANE Select); coding-DNA position 1159, G replaced by A.
Protein change: p.Ala387Thr; replaces alanine 387 with threonine.
Molecular consequence: missense variant.
Genome position (GRCh38, 1-based): chr19:8,138,183, C>T on the plus strand (G>A on the coding strand, the complement: FBN3 is on the minus strand). VCF-style: chr19-8138183-C-T. GRCh37 (hg19) VCF-style: chr19-8203067-C-T.
Other names: c.1159G>A, p.Ala387Thr (NM_001321431.2); short protein forms A387T.
Identifiers: ClinVar variation 4023484 (VCV004023484.2).
Genomic context (GRCh38, chr19:8,138,183, plus strand): 5'-CCAAGCCCCAGGCCTCACCAATATTAGAGTTGCCAGGGCCCAGGCTGGGGATCCCACGCG[C>T]ATCAGAGCCATGGGGGTTGAGTCGCGCTGGCCCAAGAGGGGGACCCATGCCATTGGATCC-3'
Protein context (NP_115823.3, residues 377-397): PARLNPHGSD[Ala387Thr]RGIPSLGPGN

ClinVar aggregate classification (germline): Uncertain significance. Review status: criteria provided, multiple submitters, no conflicts (2 of 4 stars). 2 submissions from 2 submitters: Uncertain significance (2). Last evaluated 2025-09-04.

gnomAD v4.1: 19 of 1,613,000 alleles (0.0012%); highest among the groups gnomAD compares: South Asian, 0.0033%; no homozygotes.

Submissions (2):

Labcorp Genetics (formerly Invitae), Labcorp
Classification: Uncertain significance. Last evaluated: 2025-09-04. Review status: criteria provided, single submitter. Criteria: Invitae Variant Classification Sherloc (09022015). Collection method: clinical testing. Allele origin: germline.
Comment: This sequence change replaces alanine, which is neutral and non-polar, with threonine, which is neutral and polar, at codon 387 of the FBN3 protein (p.Ala387Thr). This variant is present in population databases (rs371624730, gnomAD 0.006%). This variant has not been reported in the literature in individuals affected with FBN3-related conditions. ClinVar contains an entry for this variant (Variation ID: 4023484). An algorithm developed to predict the effect of missense changes on protein structure and function (PolyPhen-2) suggests that this variant is likely to be tolerated. In summary, the available evidence is currently insufficient to determine the role of this variant in disease. Therefore, it has been classified as a Variant of Uncertain Significance.

Ambry Genetics
Classification: Uncertain significance. Last evaluated: 2025-05-15. Review status: criteria provided, single submitter. Criteria: Ambry Variant Classification Scheme 2023. Collection method: clinical testing. Allele origin: germline.